The following is an entry in ClinVar:

ClinVar aggregate classification (germline): Uncertain significance (1 of 4 stars; one submission).

Conditions:
Warburg micro syndrome 2 (WARBM2). Also called: MICRO SYNDROME 2. Identifiers: Orphanet 2510, MedGen C3280214, MONDO:0013641, OMIM 614225.
Martsolf syndrome (MARTS). Also called: Congenital cataract with intellectual disability and hypogonadotropic hypogonadism syndrome. Identifiers: Orphanet 1387, MedGen C0796037, MONDO:0023910.

gnomAD v4.1: 95 of 1,569,442 alleles (0.0061%); highest among the groups gnomAD compares: South Asian, 0.018%; no homozygotes.

Submission:

Labcorp Genetics (formerly Invitae), Labcorp
Classification: Uncertain significance for Martsolf syndrome; Warburg micro syndrome 2. Last evaluated: 2025-02-13. Review status: criteria provided, single submitter. Criteria: Invitae Variant Classification Sherloc (09022015). Collection method: clinical testing. Allele origin: germline.
Comment: This sequence change replaces alanine, which is neutral and non-polar, with threonine, which is neutral and polar, at codon 428 of the RAB3GAP2 protein (p.Ala428Thr). This variant is present in population databases (rs773249438, gnomAD 0.02%). This variant has not been reported in the literature in individuals affected with RAB3GAP2-related conditions. Invitae Evidence Modeling of protein sequence and biophysical properties (such as structural, functional, and spatial information, amino acid conservation, physicochemical variation, residue mobility, and thermodynamic stability) indicates that this missense variant is expected to disrupt RAB3GAP2 protein function with a positive predictive value of 80%. In summary, the available evidence is currently insufficient to determine the role of this variant in disease. Therefore, it has been classified as a Variant of Uncertain Significance.

NM_012414.4(RAB3GAP2):c.1282G>A (p.Ala428Thr)

Gene: RAB3GAP2 (RAB3 GTPase activating non-catalytic protein subunit 2; minus strand). Cytogenetic location: 1q41.
Variant type: single nucleotide variant.
Coding change: c.1282G>A on transcript NM_012414.4 (MANE Select); coding-DNA position 1282, G replaced by A.
Protein change: p.Ala428Thr; replaces alanine 428 with threonine.
Molecular consequence: missense variant.
Genome position (GRCh38, 1-based): chr1:220,191,273, C>T on the plus strand (G>A on the coding strand, the complement: RAB3GAP2 is on the minus strand). VCF-style: chr1-220191273-C-T. GRCh37 (hg19) VCF-style: chr1-220364615-C-T.
Other names: short protein forms A428T.
Identifiers: ClinVar variation 4782429 (VCV004782429.1).